The following is an entry in ClinVar:

ClinVar aggregate classification (germline): Uncertain significance. Review status: criteria provided, multiple submitters, no conflicts (2 of 4 stars). 2 submissions from 2 submitters: Uncertain significance (2). Last evaluated 2025-07-14.

Conditions:
Bethlem myopathy 1A. Also called: MYOPATHY, BENIGN CONGENITAL, WITH CONTRACTURES; Bethlem myopathy 1; Bethlem Muscular Dystrophy. Identifiers: Orphanet 610, MedGen CN029274, MONDO:0024530, OMIM 158810.

Allele frequency attached by ClinVar (database versions not stated): TOPMed 0.00002.
gnomAD v4.1: 2 of 1,613,158 alleles (0.00012%); highest among the groups gnomAD compares: Admixed American, 0.0017%; no homozygotes.

Submissions (2):

Labcorp Genetics (formerly Invitae), Labcorp
Classification: Uncertain significance for Bethlem myopathy 1A. Last evaluated: 2025-07-14. Review status: criteria provided, single submitter. Criteria: Invitae Variant Classification Sherloc (09022015). Collection method: clinical testing. Allele origin: germline.
Comment: This sequence change replaces asparagine, which is neutral and polar, with lysine, which is basic and polar, at codon 537 of the COL6A1 protein (p.Asn537Lys). This variant is not present in population databases (gnomAD no frequency). This variant has not been reported in the literature in individuals affected with COL6A1-related conditions. ClinVar contains an entry for this variant (Variation ID: 195812). An algorithm developed to predict the effect of missense changes on protein structure and function (PolyPhen-2) suggests that this variant is likely to be disruptive. In summary, the available evidence is currently insufficient to determine the role of this variant in disease. Therefore, it has been classified as a Variant of Uncertain Significance.

Eurofins Ntd Llc (ga)
Classification: Uncertain significance. Last evaluated: 2015-02-09. Review status: criteria provided, single submitter. Criteria: EGL Classification Definitions 2015. Collection method: clinical testing. Allele origin: germline. Observed: 1 variant allele, 1 heterozygote.

NM_001848.3(COL6A1):c.1611C>A (p.Asn537Lys)

Gene: COL6A1 (collagen type VI alpha 1 chain; plus strand). Cytogenetic location: 21q22.3.
Variant type: single nucleotide variant.
Coding change: c.1611C>A on transcript NM_001848.3 (MANE Select); coding-DNA position 1611, C replaced by A.
Protein change: p.Asn537Lys; replaces asparagine 537 with lysine.
Molecular consequence: missense variant.
Genome position (GRCh38, 1-based): chr21:45,998,433, C>A. VCF-style: chr21-45998433-C-A. GRCh37 (hg19) VCF-style: chr21-47418347-C-A.
Other names: short protein forms N537K.
Identifiers: ClinVar variation 195812 (VCV000195812.16), dbSNP rs200023632, ClinGen allele CA242434.